The following is an entry in ClinVar:

ClinVar aggregate classification (germline): Uncertain significance. Review status: criteria provided, multiple submitters, no conflicts (2 of 4 stars). 3 submissions from 3 submitters: Uncertain significance (3). Last evaluated 2024-11-10.

Conditions:
Retinoblastoma (RB1). Also called: RETINOBLASTOMA, SOMATIC. Identifiers: Orphanet 790, MedGen C0035335, MeSH D012175, MONDO:0008380, OMIM 180200, HP:0009919. Disease mechanism: loss of function. Inheritance: Both sporadic and heritable forms are tested..
Hereditary cancer-predisposing syndrome. Also called: Neoplastic Syndromes, Hereditary; Tumor predisposition; Hereditary Cancer Syndrome; Hereditary neoplastic syndrome. Identifiers: Orphanet 140162, MedGen C0027672, MeSH D009386, MONDO:0015356.

Allele frequency attached by ClinVar (database versions not stated): gnomAD exomes below 0.00001; gnomAD 0.00001; TOPMed 0.00001.
gnomAD v4.1: 2 of 1,614,032 alleles (0.00012%); highest among the groups gnomAD compares: Non-Finnish European, 0.000085%; no homozygotes.

Submissions (3):

Labcorp Genetics (formerly Invitae), Labcorp
Classification: Uncertain significance for Retinoblastoma. Last evaluated: 2024-11-10. Review status: criteria provided, single submitter. Criteria: Invitae Variant Classification Sherloc (09022015). Collection method: clinical testing. Allele origin: germline.
Comment: This sequence change replaces valine, which is neutral and non-polar, with alanine, which is neutral and non-polar, at codon 610 of the RB1 protein (p.Val610Ala). This variant is present in population databases (no rsID available, gnomAD 0.0009%). This variant has not been reported in the literature in individuals affected with RB1-related conditions. ClinVar contains an entry for this variant (Variation ID: 820154). Invitae Evidence Modeling of protein sequence and biophysical properties (such as structural, functional, and spatial information, amino acid conservation, physicochemical variation, residue mobility, and thermodynamic stability) indicates that this missense variant is not expected to disrupt RB1 protein function with a negative predictive value of 80%. In summary, the available evidence is currently insufficient to determine the role of this variant in disease. Therefore, it has been classified as a Variant of Uncertain Significance.

Ambry Genetics
Classification: Uncertain significance for Hereditary cancer-predisposing syndrome. Last evaluated: 2024-10-18. Review status: criteria provided, single submitter. Criteria: Ambry Variant Classification Scheme 2023. Collection method: clinical testing. Allele origin: germline.
Comment: The p.V610A variant (also known as c.1829T>C), located in coding exon 19 of the RB1 gene, results from a T to C substitution at nucleotide position 1829. The valine at codon 610 is replaced by alanine, an amino acid with similar properties. This amino acid position is not well conserved in available vertebrate species. In addition, the in silico prediction for this alteration is inconclusive. Since supporting evidence is limited at this time, the clinical significance of this alteration remains unclear.

All of Us Research Program, National Institutes of Health
Classification: Uncertain significance for Retinoblastoma. Last evaluated: 2023-03-04. Review status: criteria provided, single submitter. Criteria: ACMG Guidelines, 2015. Collection method: clinical testing. Allele origin: germline. Inheritance: Autosomal dominant inheritance. Observed: 1 variant allele, 1 heterozygote.
Comment: This missense variant replaces valine with alanine at codon 610 of the RB1 protein. Computational prediction suggests that this variant may not impact protein structure and function (internally defined REVEL score threshold <= 0.5, PMID: 27666373). To our knowledge, functional studies have not been reported for this variant. This variant has not been reported in individuals affected with hereditary cancer in the literature. This variant has been identified in 1/251266 chromosomes in the general population by the Genome Aggregation Database (gnomAD). The available evidence is insufficient to determine the role of this variant in disease conclusively. Therefore, this variant is classified as a Variant of Uncertain Significance.

This study involves interpretation of variants in research participants for the purpose of population health screening. Participant phenotype was not available at the time of variant classification. Additional details can be found in publication PMID: 35346344, PMCID: PMC8962531

NM_000321.3(RB1):c.1829T>C (p.Val610Ala)

Gene: RB1 (RB transcriptional corepressor 1; plus strand). Cytogenetic location: 13q14.2.
Variant type: single nucleotide variant.
Coding change: c.1829T>C on transcript NM_000321.3 (MANE Select); coding-DNA position 1829, T replaced by C.
Protein change: p.Val610Ala; replaces valine 610 with alanine.
Molecular consequence: missense variant.
Genome position (GRCh38, 1-based): chr13:48,456,218, T>C. VCF-style: chr13-48456218-T-C. GRCh37 (hg19) VCF-style: chr13-49030354-T-C.
Other names: short protein forms V610A.
Identifiers: ClinVar variation 820154 (VCV000820154.13), dbSNP rs934931283, ClinGen allele CA249306654.